The following is an entry in ClinVar:

NM_003072.5(SMARCA4):c.50C>G (p.Ser17Cys)

Gene: SMARCA4 (SWI/SNF related BAF chromatin remodeling complex subunit ATPase 4; plus strand). Cytogenetic location: 19p13.2.
Variant type: single nucleotide variant.
Coding change: c.50C>G on transcript NM_003072.5 (MANE Select); coding-DNA position 50, C replaced by G.
Protein change: p.Ser17Cys; replaces serine 17 with cysteine.
Molecular consequence: missense variant. On other transcripts: non-coding transcript variant (1).
Genome position (GRCh38, 1-based): chr19:10,984,201, C>G. VCF-style: chr19-10984201-C-G. GRCh37 (hg19) VCF-style: chr19-11094877-C-G.
Other names: c.50C>G, p.Ser17Cys (NM_001128844.3, NM_001128845.2, NM_001128846.2 and 6 more transcripts); short protein forms S17C.
Identifiers: ClinVar variation 4864797 (VCV004864797.1).

ClinVar aggregate classification (germline): Uncertain significance (1 of 4 stars; one submission).

Conditions:
Hereditary cancer-predisposing syndrome. Also called: Neoplastic Syndromes, Hereditary; Tumor predisposition; Hereditary Cancer Syndrome; Hereditary neoplastic syndrome. Identifiers: Orphanet 140162, MedGen C0027672, MeSH D009386, MONDO:0015356.

gnomAD v4.1: 1 of 1,612,480 alleles (0.000062%); highest among the groups gnomAD compares: Non-Finnish European, 0.000085%; no homozygotes.

Submission:

Ambry Genetics
Classification: Uncertain significance for Hereditary cancer-predisposing syndrome. Last evaluated: 2026-05-30. Review status: criteria provided, single submitter. Criteria: Ambry Variant Classification Scheme 2023. Collection method: clinical testing. Allele origin: germline.
Comment: The p.S17C variant (also known as c.50C>G), located in coding exon 1 of the SMARCA4 gene, results from a C to G substitution at nucleotide position 50. The serine at codon 17 is replaced by cysteine, an amino acid with dissimilar properties. This amino acid position is conserved. In addition, the in silico prediction for this alteration is inconclusive. Based on the available evidence, the clinical significance of this variant remains unclear.